The following is an entry in ClinVar:

NM_000548.5(TSC2):c.-72T>A

Genes: TSC2 (TSC complex subunit 2; plus strand), LOC130058210 (ATAC-STARR-seq lymphoblastoid silent region 7024; plus strand). Cytogenetic location: 16p13.3.
Variant type: single nucleotide variant.
Coding change: c.-72T>A on transcript NM_000548.5 (MANE Select); 72 bases upstream of the start codon, T replaced by A.
Molecular consequence: 5 prime UTR variant.
Genome position (GRCh38, 1-based): chr16:2,048,023, T>A. VCF-style: chr16-2048023-T-A. GRCh37 (hg19) VCF-style: chr16-2098024-T-A.
Other names: c.-72T>A (NM_001077183.3, NM_001114382.3, NM_001318827.2 and 4 more transcripts); c.-52T>A (NM_001318829.2); c.-298T>A (NM_001318831.2).
Identifiers: ClinVar variation 885579 (VCV000885579.5), dbSNP rs543752709, ClinGen allele CA276767090.

ClinVar aggregate classification (germline): Likely benign. Review status: criteria provided, multiple submitters, no conflicts (2 of 4 stars). 2 submissions from 2 submitters: Likely benign (2). Last evaluated 2018-01-13.

Conditions:
Tuberous sclerosis syndrome (TSC). Also called: Tuberous Sclerosis Complex; Tuberous sclerosis. Identifiers: Orphanet 805, MedGen C0041341, MONDO:0001734.

Allele frequency attached by ClinVar (database versions not stated): gnomAD exomes 0.00007; 1000 Genomes Project 30x 0.00078; gnomAD 0.00078 and 0.00083; TOPMed 0.00091; 1000 Genomes Project 0.00100.
gnomAD v4.1: 211 of 1,449,242 alleles (0.015%); highest among the groups gnomAD compares: African/African-American, 0.29%; no homozygotes.

Submissions (2):

Illumina Laboratory Services, Illumina
Classification: Likely benign for Tuberous sclerosis syndrome. Last evaluated: 2018-01-13. Review status: criteria provided, single submitter. Criteria: ICSL Variant Classification Criteria 13 December 2019. Collection method: clinical testing. Allele origin: germline.
Comment: This variant was observed in the ICSL laboratory as part of a predisposition screen in an ostensibly healthy population. It had not been previously curated by ICSL or reported in the Human Gene Mutation Database (HGMD: prior to June 1st, 2018), and was therefore a candidate for classification through an automated scoring system. Utilizing variant allele frequency, disease prevalence and penetrance estimates, and inheritance mode, an automated score was calculated to assess if this variant is too frequent to cause the disease. Based on the score and internal cut-off values, a variant classified as likely benign is not then subjected to further curation. The score for this variant resulted in a classification of likely benign for this disease.

Breakthrough Genomics
Classification: Likely benign. Review status: criteria provided, single submitter. Criteria: ACMG Guidelines, 2015. Collection method: not provided. Allele origin: germline. Inheritance: Autosomal dominant inheritance. Affected: yes.